The following is an entry in ClinVar:

NM_000169.3(GLA):c.1062_1076del (p.Asn355_Ile359del)

Genes: GLA (galactosidase alpha; minus strand), RPL36A-HNRNPH2 (RPL36A-HNRNPH2 readthrough; plus strand). Cytogenetic location: Xq22.1.
Variant type: Deletion.
Coding change: c.1062_1076del on transcript NM_000169.3 (MANE Select); coding-DNA positions 1062 to 1076, 15 bases deleted (AAACCGGCAGGAGAT).
Protein change: p.Asn355_Ile359del.
Molecular consequence: inframe deletion. On other transcripts: inframe indel (1), non-coding transcript variant (3), intron variant (2).
Genome position (GRCh38, 1-based): chrX:101,398,023-101,398,037, ATCTCCTGCCGGTTT deleted on the plus strand (AAACCGGCAGGAGAT on the coding strand, the reverse complement: GLA is on the minus strand); deleting any 15 consecutive bases within chrX:101,398,023-101,398,040 gives the same sequence; the c. name uses the placement nearest the transcript's 3' end. VCF-style (leftmost placement, unchanged base first): chrX-101398022-AATCTCCTGCCGGTTT-A. GRCh37 (hg19) VCF-style: chrX-100653010-AATCTCCTGCCGGTTT-A.
Other names: c.1062_1076del15 (NM_000169.2); c.1185_1199del, p.Asn396_Ile400del (NM_001406747.1); c.300+2569_300+2583del (NM_001199973.2); c.177+6204_177+6218del (NM_001199974.2).
Identifiers: ClinVar variation 632840 (VCV000632840.3), dbSNP rs1569302697, ClinGen allele CA913190974.

ClinVar aggregate classification (germline): Likely pathogenic. Review status: criteria provided, multiple submitters, no conflicts (2 of 4 stars). 2 submissions from 2 submitters: Likely pathogenic (2). Last evaluated 2026-09-08.

Conditions:
Fabry disease. Also called: Angiokeratoma corporis diffusum; Ceramide trihexosidosis; Fabry's disease; ALPHA-GALACTOSIDASE A DEFICIENCY; ANDERSON-FABRY DISEASE; CERAMIDE TRIHEXOSIDASE DEFICIENCY. Identifiers: Orphanet 324, MedGen C0002986, MONDO:0010526, OMIM 301500, HP:0001071. Disease mechanism: loss of function, Fabry disease is due to inactivating mutations in the X-linked GLA gene resulting in deficiency of the enzyme Alpha Galactosidase-A..

Submissions (2):

Genomenon, Inc
Classification: Likely pathogenic for Fabry disease. Last evaluated: 2026-09-08. Review status: criteria provided, single submitter. Criteria: Genomenon Sequence Variant Interpretation Standards - Updated. Collection method: curation. Allele origin: germline. Affected: yes.
Comment: GLA p.Asn355_Ile359del (c.1062_1076del) is an in-frame deletion that results in the loss of multiple amino acids, from Asparagine at codon 355 to Isoleucine at codon 359. This variant has been observed in at least one proband with clinical features consistent with Fabry disease (PMID:32612493). This variant is located in a mutational hotspot and/or important functional domain. It is absent or not present at a significant frequency in gnomAD. In conclusion, we classify GLA p.Asn355_Ile359del (c.1062_1076del) as a likely pathogenic variant.

Women's Health and Genetics/Laboratory Corporation of America, LabCorp
Classification: Likely pathogenic for Fabry disease. Last evaluated: 2018-12-19. Review status: criteria provided, single submitter. Criteria: LabCorp Variant Classification Summary - May 2015. Collection method: clinical testing. Allele origin: germline.
Comment: Variant summary: GLA c.1062_1076del15 (p.Asn355_Ile359del) results in an in-frame deletion that is predicted to remove 5 amino acids from the Glycosyl hydrolase, all-beta domain of the encoded protein. Other pathogenic variants downstream of this variant have been reported pointing to the functional relevance of this domain. The variant was absent in 87729 control chromosomes (ExAC). The available data on variant occurrences in the general population are insufficient to allow any conclusion about variant significance. Although this report does not provide unequivocal conclusions due to its inherent rarity, it is highly suggestive of being associated with a diagnosis of classic Fabry Disease. To our knowledge, no other peer-reviewed published clinical reports or experimental evidence demonstrating an impact on protein function has been reported. No clinical diagnostic laboratories have submitted clinical-significance assessments for this variant to ClinVar after 2014. Based on the evidence outlined above, the variant was classified as likely pathogenic.

Literature cited by the submitters: PubMed 32612493 (cited by Genomenon, Inc).